The following is an entry in ClinVar:

ClinVar aggregate classification (germline): Benign. Review status: criteria provided, multiple submitters, no conflicts (2 of 4 stars). 3 submissions from 3 submitters: Benign (2). 1 of the submissions does not count toward it. Last evaluated 2026-01-12.

Conditions:
FBN3-related disorder. Also called: FBN3-related condition.

Allele frequency attached by ClinVar (database versions not stated): gnomAD exomes 0.00088; ExAC 0.00116; gnomAD 0.00350 and 0.00376; 1000 Genomes Project 0.00419; TOPMed 0.00462; 1000 Genomes Project 30x 0.00484; ESP Exome Variant Server 0.00492.
gnomAD v4.1: 1,010 of 1,613,530 alleles (0.063%); highest among the groups gnomAD compares: African/African-American, 1.2%; 6 homozygotes.

Submissions (3):

Labcorp Genetics (formerly Invitae), Labcorp
Classification: Benign. Last evaluated: 2026-01-12. Review status: criteria provided, single submitter. Criteria: Invitae Variant Classification Sherloc (09022015). Collection method: clinical testing. Allele origin: germline.

Breakthrough Genomics
Classification: Benign. Review status: criteria provided, single submitter. Criteria: ACMG Guidelines, 2015. Collection method: not provided. Allele origin: germline. Inheritance: Unknown mechanism. Affected: yes.

PreventionGenetics, part of Exact Sciences
Classification: Benign for FBN3-related condition. Last evaluated: 2019-10-28. Review status: no assertion criteria provided. Collection method: clinical testing. Allele origin: germline. Not counted in ClinVar's aggregate classification.
Comment: This variant is classified as benign based on ACMG/AMP sequence variant interpretation guidelines (Richards et al. 2015 PMID: 25741868, with internal and published modifications).

NM_032447.5(FBN3):c.5394G>A (p.Ser1798=)

Gene: FBN3 (fibrillin 3; minus strand). Cytogenetic location: 19p13.2.
Variant type: single nucleotide variant.
Coding change: c.5394G>A on transcript NM_032447.5 (MANE Select); coding-DNA position 5394, G replaced by A.
Protein change: p.Ser1798=; no amino-acid change (serine 1798 retained).
Molecular consequence: synonymous variant.
Genome position (GRCh38, 1-based): chr19:8,096,900, C>T on the plus strand (G>A on the coding strand, the complement: FBN3 is on the minus strand). VCF-style: chr19-8096900-C-T. GRCh37 (hg19) VCF-style: chr19-8161784-C-T.
Other names: c.5394G>A (NM_001321431.1); c.5394G>A, p.Ser1798= (NM_001321431.2).
Identifiers: ClinVar variation 714879 (VCV000714879.11), dbSNP rs80293030, ClinGen allele CA9151679.
Genomic context (GRCh38, chr19:8,096,900, plus strand): 5'-AGAGCCCAGCTCCCTCACCTCCTCCCAGGGACCCTGCTCACCCACACAAGCCCCGCCTGG[C>T]GACAGTTTGTACCCTCGGGTGCACTTGCAGCGGTAGCTACCGGGGATGTTGATGCAGTCA-3'
Protein context (NP_115823.3, residues 1788-1808): RCKCTRGYKL[Ser1798=]PGGACVGRNE